The following is an entry in ClinVar:

ClinVar aggregate classification (germline): Pathogenic/Likely pathogenic. Review status: criteria provided, multiple submitters, no conflicts (2 of 4 stars). 4 submissions from 4 submitters: Pathogenic (1); Likely pathogenic (3). Last evaluated 2025-06-26.

Conditions:
Neurofibromatosis, type 1 (NF1). Also called: VON RECKLINGHAUSEN DISEASE; NEUROFIBROMATOSIS, TYPE I, SOMATIC; Peripheral type neurofibromatosis; Neurofibromatosis, type I. Identifiers: Orphanet 636, MedGen C0027831, MONDO:0018975, OMIM 162200. Disease mechanism: loss of function.
Cardiovascular phenotype. Identifiers: MedGen CN230736.
Hereditary cancer-predisposing syndrome. Also called: Hereditary Cancer Syndrome; Hereditary neoplastic syndrome; Tumor predisposition; Neoplastic Syndromes, Hereditary. Identifiers: Orphanet 140162, MedGen C0027672, MeSH D009386, MONDO:0015356.

Submissions (4):

Ambry Genetics
Classification: Likely pathogenic for Cardiovascular phenotype; Hereditary cancer-predisposing syndrome. Last evaluated: 2025-06-26. Review status: criteria provided, single submitter. Criteria: Ambry Variant Classification Scheme 2023. Collection method: clinical testing. Allele origin: germline.
Comment: The c.3497-1G>A intronic variant results from a G to A substitution one nucleotide upstream from coding exon 27 of the NF1 gene. This variant was reported in individual(s) with features consistent with Neurofibromatosis type 1 (Ece Solmaz A et al. Clin Neurol Neurosurg, 2021 Sep;208:106884). This nucleotide position is highly conserved in available vertebrate species. In silico splice site analysis predicts that this alteration will weaken the native splice acceptor site and will result in the creation or strengthening of a novel splice acceptor site; however, direct evidence is insufficient at this time (Ambry internal data). This variant is considered to be rare based on population cohorts in the Genome Aggregation Database (gnomAD). Alterations that disrupt the canonical splice site are expected to cause aberrant splicing, resulting in an abnormal protein or a transcript that is subject to nonsense-mediated mRNA decay. As such, this alteration is classified as likely pathogenic.

Labcorp Genetics (formerly Invitae), Labcorp
Classification: Likely pathogenic for Neurofibromatosis, type 1. Last evaluated: 2025-02-11. Review status: criteria provided, single submitter. Criteria: Invitae Variant Classification Sherloc (09022015). Collection method: clinical testing. Allele origin: germline.
Comment: This sequence change affects an acceptor splice site in intron 26 of the NF1 gene. It is expected to disrupt RNA splicing. Variants that disrupt the donor or acceptor splice site typically lead to a loss of protein function (PMID: 16199547), and loss-of-function variants in NF1 are known to be pathogenic (PMID: 10712197, 23913538). This variant is not present in population databases (gnomAD no frequency). Disruption of this splice site has been observed in individual(s) with NF1-related conditions (PMID: 34418705). ClinVar contains an entry for this variant (Variation ID: 457652). RNA analysis provides insufficient evidence to determine the effect of this variant on NF1 splicing (internal data). In summary, the currently available evidence indicates that the variant is pathogenic, but additional data are needed to prove that conclusively. Therefore, this variant has been classified as Likely Pathogenic.

Genome-Nilou Lab
Classification: Likely pathogenic for Neurofibromatosis, type 1. Last evaluated: 2022-03-15. Review status: criteria provided, single submitter. Criteria: ACMG Guidelines, 2015. Collection method: clinical testing. Allele origin: germline. Affected: no.

Genome Diagnostics Laboratory, The Hospital for Sick Children
Classification: Pathogenic for Neurofibromatosis, type 1. Last evaluated: 2020-10-26. Review status: criteria provided, single submitter. Criteria: ACMG Guidelines, 2015. Collection method: clinical testing. Allele origin: germline. Affected: yes.

Literature cited by the submitters: PubMed 34418705 (cited by Ambry Genetics and Labcorp Genetics (formerly Invitae), Labcorp); PubMed 16199547 (cited by Labcorp Genetics (formerly Invitae), Labcorp); PubMed 10712197 (cited by Labcorp Genetics (formerly Invitae), Labcorp); PubMed 23913538 (cited by Labcorp Genetics (formerly Invitae), Labcorp).

NM_001042492.3(NF1):c.3497-1G>A

Gene: NF1 (neurofibromin 1; plus strand). Cytogenetic location: 17q11.2.
Variant type: single nucleotide variant.
Coding change: c.3497-1G>A on transcript NM_001042492.3 (MANE Select); the canonical splice acceptor site of the intron before coding-DNA position 3497, G replaced by A.
Molecular consequence: splice acceptor variant.
Genome position (GRCh38, 1-based): chr17:31,233,001, G>A. VCF-style: chr17-31233001-G-A. GRCh37 (hg19) VCF-style: chr17-29560019-G-A.
Other names: c.3497-1G>A (NM_000267.4).
Identifiers: ClinVar variation 457652 (VCV000457652.10), dbSNP rs1555615004, ClinGen allele CA398989602.
Genomic context (GRCh38, chr17:31,233,001, plus strand): 5'-GAAGCAAAAATTACTTCAGCAAGGCCATGTTAGTAAATTTGCATCTGTTTGTCCACATTA[G>A]GCTTAGGTTACCACAAGGATCTCCAGACAAGAGCTACATTTATGGAAGTTCTGACAAAAA-3'